The following is an entry in ClinVar:

NM_002471.4(MYH6):c.4293G>A (p.Met1431Ile)

Gene: MYH6 (myosin heavy chain 6; minus strand). Cytogenetic location: 14q11.2.
Variant type: single nucleotide variant.
Coding change: c.4293G>A on transcript NM_002471.4 (MANE Select); coding-DNA position 4293, G replaced by A.
Protein change: p.Met1431Ile; replaces methionine 1431 with isoleucine.
Molecular consequence: missense variant.
Genome position (GRCh38, 1-based): chr14:23,388,221, C>T on the plus strand (G>A on the coding strand, the complement: MYH6 is on the minus strand). VCF-style: chr14-23388221-C-T. GRCh37 (hg19) VCF-style: chr14-23857430-C-T.
Other names: short protein forms M1431I.
Identifiers: ClinVar variation 179022 (VCV000179022.33), dbSNP rs201016285, ClinGen allele CA183529.

ClinVar aggregate classification (germline): Benign/Likely benign. Review status: criteria provided, multiple submitters, no conflicts (2 of 4 stars). 8 submissions from 8 submitters: Benign (6); Likely benign (1). 1 of the submissions does not count toward it. Last evaluated 2026-06-01.

Conditions:
MYH6-related disorder. Also called: MYH6-related condition; MYH6-Related Disorders.
Cardiovascular phenotype. Identifiers: MedGen CN230736.
Cardiomyopathy (CMYO). Also called: Cardiomyopathies. Identifiers: Orphanet 167848, MedGen C0878544, MONDO:0004994, HP:0001638. Inheritance: Various modes of inheritance.
Hypertrophic cardiomyopathy 14. Identifiers: MedGen C2750467, MONDO:0013197, OMIM 613251.

Allele frequency attached by ClinVar (database versions not stated): gnomAD 0.00028 and 0.00029; 1000 Genomes Project 0.00040; 1000 Genomes Project 30x 0.00047; TOPMed 0.00097; gnomAD exomes 0.00101 and 0.00220; ExAC 0.00175.

Submissions (8):

CeGaT Center for Human Genetics Tuebingen
Classification: Likely benign. Last evaluated: 2026-06-01. Review status: criteria provided, single submitter. Criteria: CeGaT Center For Human Genetics Tuebingen Variant Classification Criteria Version 2. Collection method: clinical testing. Allele origin: germline. Affected: yes. Observed: 2 variant alleles.
Comment: MYH6: BS1

Labcorp Genetics (formerly Invitae), Labcorp
Classification: Benign for Hypertrophic cardiomyopathy 14. Last evaluated: 2026-02-01. Review status: criteria provided, single submitter. Criteria: Invitae Variant Classification Sherloc (09022015). Collection method: clinical testing. Allele origin: germline.

ARUP Laboratories, Molecular Genetics and Genomics, ARUP Laboratories
Classification: Benign. Last evaluated: 2023-04-24. Review status: criteria provided, single submitter. Criteria: ARUP Molecular Germline Variant Investigation Process 2024. Collection method: clinical testing. Allele origin: germline.

Center for Advanced Laboratory Medicine, UC San Diego Health, University of California San Diego
Classification: Benign for Cardiomyopathy. Last evaluated: 2019-04-01. Review status: criteria provided, single submitter. Criteria: ACMG Guidelines, 2015. Collection method: clinical testing. Allele origin: germline. Affected: yes. Observed: 1 variant allele.

Ambry Genetics
Classification: Benign for Cardiovascular phenotype. Last evaluated: 2018-09-06. Review status: criteria provided, single submitter. Criteria: Ambry Variant Classification Scheme 2023. Collection method: clinical testing. Allele origin: germline.

GeneDx
Classification: Benign. Last evaluated: 2017-01-12. Review status: criteria provided, single submitter. Criteria: GeneDx Variant Classification (06012015). Collection method: clinical testing. Allele origin: germline. Affected: yes.
Comment: This variant is considered likely benign or benign based on one or more of the following criteria: it is a conservative change, it occurs at a poorly conserved position in the protein, it is predicted to be benign by multiple in silico algorithms, and/or has population frequency not consistent with disease.

Laboratory for Molecular Medicine, Mass General Brigham Personalized Medicine
Classification: Benign. Last evaluated: 2015-04-02. Review status: criteria provided, single submitter. Criteria: LMM Criteria. Collection method: clinical testing. Allele origin: germline. Observed: 2 variant alleles.
Comment: p.Met1431Ile in exon 30 of MYH6: This variant is not expected to have clinical s ignificance because it has been identified in 1.8% (210/11576) of Latino chromos omes by the Exome Aggregation Consortium (ExAC; dbSNP rs201016285).

PreventionGenetics, part of Exact Sciences
Classification: Likely benign for MYH6-related condition. Last evaluated: 2019-03-12. Review status: no assertion criteria provided. Collection method: clinical testing. Allele origin: germline. Not counted in ClinVar's aggregate classification.
Comment: This variant is classified as likely benign based on ACMG/AMP sequence variant interpretation guidelines (Richards et al. 2015 PMID: 25741868, with internal and published modifications).